The following is an entry in ClinVar:

ClinVar aggregate classification (germline): Likely benign (1 of 4 stars; one submission).

Allele frequency attached by ClinVar (database versions not stated): TOPMed 0.00237; gnomAD 0.00239; ESP Exome Variant Server 0.00308; ExAC 0.00318; gnomAD exomes 0.00389; 1000 Genomes Project 30x 0.00390; 1000 Genomes Project 0.00419.
gnomAD v4.1: 5,471 of 1,466,818 alleles (0.37%); highest among the groups gnomAD compares: Middle Eastern, 0.86%; 27 homozygotes.

Submission:

CeGaT Center for Human Genetics Tuebingen
Classification: Likely benign. Last evaluated: 2022-12-01. Review status: criteria provided, single submitter. Criteria: CeGaT Center For Human Genetics Tuebingen Variant Classification Criteria Version 2. Collection method: clinical testing. Allele origin: germline. Affected: yes. Observed: 1 variant allele.
Comment: POU4F2: BP4, BP7, BS2

NM_004575.3(POU4F2):c.265A>C (p.Arg89=)

Gene: POU4F2 (POU class 4 homeobox 2; plus strand). Cytogenetic location: 4q31.22.
Variant type: single nucleotide variant.
Coding change: c.265A>C on transcript NM_004575.3 (MANE Select); coding-DNA position 265, A replaced by C.
Protein change: p.Arg89=; no amino-acid change (arginine 89 retained).
Molecular consequence: synonymous variant.
Genome position (GRCh38, 1-based): chr4:146,639,405, A>C. VCF-style: chr4-146639405-A-C. GRCh37 (hg19) VCF-style: chr4-147560557-A-C.
Identifiers: ClinVar variation 2655112 (VCV002655112.24), dbSNP rs148020860, ClinGen allele CA3097095.